The following is an entry in ClinVar:

ClinVar aggregate classification (germline): Uncertain significance. Review status: criteria provided, multiple submitters, no conflicts (2 of 4 stars). 5 submissions from 5 submitters: Uncertain significance (5). Last evaluated 2026-04-10.

Conditions:
Fraser syndrome 1 (FRASRS1). Also called: CRYPTOPHTHALMOS WITH OTHER MALFORMATIONS. Identifiers: Orphanet 2052, MedGen C4551480, MONDO:0054737, OMIM 219000.

Allele frequency attached by ClinVar (database versions not stated): gnomAD 0.00003; gnomAD exomes 0.00003 and 0.00011; TOPMed 0.00007; ESP Exome Variant Server 0.00008; ExAC 0.00009.
gnomAD v4.1: 54 of 1,613,722 alleles (0.0033%); highest among the groups gnomAD compares: Admixed American, 0.045%; no homozygotes.

Submissions (5):

Greenwood Genetic Center Diagnostic Laboratories, Greenwood Genetic Center
Classification: Uncertain significance. Last evaluated: 2026-04-10. Review status: criteria provided, single submitter. Criteria: ACMG Guidelines, 2015. Collection method: clinical testing. Allele origin: germline.
Comment: PM2

Labcorp Genetics (formerly Invitae), Labcorp
Classification: Uncertain significance. Last evaluated: 2024-11-04. Review status: criteria provided, single submitter. Criteria: Invitae Variant Classification Sherloc (09022015). Collection method: clinical testing. Allele origin: germline.
Comment: This sequence change replaces arginine, which is basic and polar, with cysteine, which is neutral and slightly polar, at codon 2590 of the FRAS1 protein (p.Arg2590Cys). This variant is present in population databases (rs368735572, gnomAD 0.07%). This variant has not been reported in the literature in individuals affected with FRAS1-related conditions. ClinVar contains an entry for this variant (Variation ID: 1696393). Invitae Evidence Modeling of protein sequence and biophysical properties (such as structural, functional, and spatial information, amino acid conservation, physicochemical variation, residue mobility, and thermodynamic stability) has been performed for this missense variant. However, the output from this modeling did not meet the statistical confidence thresholds required to predict the impact of this variant on FRAS1 protein function. In summary, the available evidence is currently insufficient to determine the role of this variant in disease. Therefore, it has been classified as a Variant of Uncertain Significance.

GeneDx
Classification: Uncertain significance. Last evaluated: 2024-08-01. Review status: criteria provided, single submitter. Criteria: GeneDx Variant Classification Process June 2021. Collection method: clinical testing. Allele origin: germline. Affected: yes.
Comment: In silico analysis supports that this missense variant has a deleterious effect on protein structure/function; Has not been previously published as pathogenic or benign to our knowledge

Fulgent Genetics
Classification: Uncertain significance for Fraser syndrome 1. Last evaluated: 2024-02-23. Review status: criteria provided, single submitter. Criteria: ACMG Guidelines, 2015. Collection method: clinical testing. Allele origin: germline.

Women's Health and Genetics/Laboratory Corporation of America, LabCorp
Classification: Uncertain significance. Last evaluated: 2022-05-03. Review status: criteria provided, single submitter. Criteria: LabCorp Variant Classification Summary - May 2015. Collection method: clinical testing. Allele origin: germline.

NM_025074.7(FRAS1):c.7768C>T (p.Arg2590Cys)

Gene: FRAS1 (Fraser extracellular matrix complex subunit 1; plus strand). Cytogenetic location: 4q21.21.
Variant type: single nucleotide variant.
Coding change: c.7768C>T on transcript NM_025074.7 (MANE Select); coding-DNA position 7768, C replaced by T.
Protein change: p.Arg2590Cys; replaces arginine 2590 with cysteine.
Molecular consequence: missense variant.
Genome position (GRCh38, 1-based): chr4:78,475,523, C>T. VCF-style: chr4-78475523-C-T. GRCh37 (hg19) VCF-style: chr4-79396677-C-T.
Other names: short protein forms R2590C.
Identifiers: ClinVar variation 1696393 (VCV001696393.7), dbSNP rs368735572, ClinGen allele CA2978203.